The following is an entry in ClinVar:

NM_152383.5(DIS3L2):c.1116G>A (p.Arg372=)

Gene: DIS3L2 (DIS3 like 3'-5' exoribonuclease 2; plus strand). Cytogenetic location: 2q37.1.
Variant type: single nucleotide variant.
Coding change: c.1116G>A on transcript NM_152383.5 (MANE Select); coding-DNA position 1116, G replaced by A.
Protein change: p.Arg372=; no amino-acid change (arginine 372 retained).
Molecular consequence: synonymous variant. On other transcripts: non-coding transcript variant (2).
Genome position (GRCh38, 1-based): chr2:232,163,624, G>A. VCF-style: chr2-232163624-G-A. GRCh37 (hg19) VCF-style: chr2-233028334-G-A.
Other names: c.1116G>A, p.Arg372= (NM_001257281.2).
Identifiers: ClinVar variation 706537 (VCV000706537.41), dbSNP rs755028564, ClinGen allele CA2164006.

ClinVar aggregate classification (germline): Likely benign. Review status: criteria provided, multiple submitters, no conflicts (2 of 4 stars). 3 submissions from 3 submitters: Likely benign (3). Last evaluated 2025-01-07.

Conditions:
Perlman syndrome (PRLMNS). Identifiers: Orphanet 2849, MedGen C0796113, MONDO:0009965, OMIM 267000.
DIS3L2-related disorder. Also called: DIS3L2-related condition.

Allele frequency attached by ClinVar (database versions not stated): gnomAD exomes below 0.00001; ExAC 0.00001; gnomAD 0.00001; TOPMed 0.00003.
gnomAD v4.1: 6 of 1,613,060 alleles (0.00037%); highest among the groups gnomAD compares: African/African-American, 0.004%; no homozygotes.

Submissions (3):

PreventionGenetics, part of Exact Sciences
Classification: Likely benign for DIS3L2-related condition. Last evaluated: 2025-01-07. Review status: criteria provided, single submitter. Criteria: ACMG Guidelines, 2015. Collection method: clinical testing. Allele origin: germline.
Comment: This variant is classified as likely benign based on ACMG/AMP sequence variant interpretation guidelines (Richards et al. 2015 PMID: 25741868, with internal and published modifications).

Labcorp Genetics (formerly Invitae), Labcorp
Classification: Likely benign for Perlman syndrome. Last evaluated: 2023-04-06. Review status: criteria provided, single submitter. Criteria: Invitae Variant Classification Sherloc (09022015). Collection method: clinical testing. Allele origin: germline.

CeGaT Center for Human Genetics Tuebingen
Classification: Likely benign. Last evaluated: 2022-01-01. Review status: criteria provided, single submitter. Criteria: CeGaT Center For Human Genetics Tuebingen Variant Classification Criteria Version 2. Collection method: clinical testing. Allele origin: germline. Affected: yes. Observed: 1 variant allele.